The following is an entry in ClinVar:

ClinVar aggregate classification (germline): Conflicting classifications of pathogenicity. Review status: criteria provided, conflicting classifications (1 of 4 stars). 3 submissions from 3 submitters: Uncertain significance (1); Likely benign (2). Last evaluated 2026-04-16.

Conditions:
SYNJ1-related disorder. Also called: SYNJ1-related condition.
Early-onset Parkinson disease 20. Also called: PARKINSON DISEASE 20, AUTOSOMAL RECESSIVE EARLY-ONSET. Identifiers: Orphanet 391411, MedGen C3809824, MONDO:0014233, OMIM 615530.
Developmental and epileptic encephalopathy, 53. Also called: Epileptic encephalopathy, early infantile, 53. Identifiers: MedGen C4479313, MONDO:0033362, OMIM 617389.

Allele frequency attached by ClinVar (database versions not stated): gnomAD exomes 0.00007 and 0.00018; ExAC 0.00024; 1000 Genomes Project 0.00060; 1000 Genomes Project 30x 0.00062; ESP Exome Variant Server 0.00069; TOPMed 0.00092; gnomAD 0.00105.
gnomAD v4.1: 223 of 1,614,168 alleles (0.014%); highest among the groups gnomAD compares: African/African-American, 0.28%; 1 homozygote.

Submissions (3):

PreventionGenetics, part of Exact Sciences
Classification: Likely benign for SYNJ1-related condition. Last evaluated: 2026-04-16. Review status: criteria provided, single submitter. Criteria: ACMG Guidelines, 2015. Collection method: clinical testing. Allele origin: germline.
Comment: This variant is classified as likely benign based on ACMG/AMP sequence variant interpretation guidelines (Richards et al. 2015 PMID: 25741868, with internal and published modifications).

Labcorp Genetics (formerly Invitae), Labcorp
Classification: Likely benign for Developmental and epileptic encephalopathy, 53; Early-onset Parkinson disease 20. Last evaluated: 2026-02-03. Review status: criteria provided, single submitter. Criteria: Invitae Variant Classification Sherloc (09022015). Collection method: clinical testing. Allele origin: germline.

GeneDx
Classification: Uncertain significance. Last evaluated: 2024-07-30. Review status: criteria provided, single submitter. Criteria: GeneDx Variant Classification Process June 2021. Collection method: clinical testing. Allele origin: germline. Affected: yes.
Comment: In silico analysis indicates that this missense variant does not alter protein structure/function; Has not been previously published as pathogenic or benign to our knowledge

NM_203446.3(SYNJ1):c.3205A>G (p.Ser1069Gly)

Gene: SYNJ1 (synaptojanin 1; minus strand). Cytogenetic location: 21q22.11.
Variant type: single nucleotide variant.
Coding change: c.3205A>G on transcript NM_203446.3 (MANE Select); coding-DNA position 3205, A replaced by G.
Protein change: p.Ser1069Gly; replaces serine 1069 with glycine.
Molecular consequence: missense variant.
Genome position (GRCh38, 1-based): chr21:32,646,435, T>C on the plus strand (A>G on the coding strand, the complement: SYNJ1 is on the minus strand). VCF-style: chr21-32646435-T-C. GRCh37 (hg19) VCF-style: chr21-34018745-T-C.
Other names: c.3205A>G, p.Ser1069Gly (NM_001160302.2); c.3190A>G, p.Ser1064Gly (NM_001160306.2); c.3322A>G, p.Ser1108Gly (NM_003895.4); short protein forms S1108G, S1064G, S1069G.
Identifiers: ClinVar variation 478339 (VCV000478339.13), dbSNP rs149817769, ClinGen allele CA10003486.